The following is an entry in ClinVar:

NM_003476.5(CSRP3):c.335C>A (p.Ala112Glu)

Gene: CSRP3 (cysteine and glycine rich protein 3; minus strand). Cytogenetic location: 11p15.1.
Variant type: single nucleotide variant.
Coding change: c.335C>A on transcript NM_003476.5 (MANE Select); coding-DNA position 335, C replaced by A.
Protein change: p.Ala112Glu; replaces alanine 112 with glutamic acid.
Molecular consequence: missense variant. On other transcripts: synonymous variant (1).
Genome position (GRCh38, 1-based): chr11:19,186,295, G>T on the plus strand (C>A on the coding strand, the complement: CSRP3 is on the minus strand). VCF-style: chr11-19186295-G-T. GRCh37 (hg19) VCF-style: chr11-19207842-G-T.
Other names: c.335C>A, p.Ala112Glu (NM_001127656.1); c.166C>A, p.Arg56= (NM_001369404.1); short protein forms A112E.
Identifiers: ClinVar variation 1730583 (VCV001730583.7), dbSNP rs753711278, ClinGen allele CA5916570.
Genomic context (GRCh38, chr11:19,186,295, plus strand): 5'-TTCTCAGCAGCATAGACTGACTTGCCACATCGAGGGCACTTCTCGGACTCTCCAAACTTC[G>T]CAGTGAATTTGGAAGGGTTGCTGGTGGTAACTGAGCGTGCCGGCTTTGGGGACCTGTTGG-3'
Protein context (NP_003467.1, residues 102-122): VTTSNPSKFT[Ala112Glu]KFGESEKCPR

ClinVar aggregate classification (germline): Uncertain significance. Review status: criteria provided, multiple submitters, no conflicts (2 of 4 stars). 2 submissions from 2 submitters: Uncertain significance (2). Last evaluated 2025-09-03.

Conditions:
Hypertrophic cardiomyopathy 12. Identifiers: MedGen C2677491, MONDO:0012804, OMIM 612124.
Dilated cardiomyopathy 1M (CMD1M). Identifiers: Orphanet 154, MedGen C1843808, MONDO:0011840, OMIM 607482.
Cardiovascular phenotype. Identifiers: MedGen CN230736.

gnomAD v4.1: 10 of 1,614,170 alleles (0.00062%); highest among the groups gnomAD compares: African/African-American, 0.0013%; no homozygotes.

Submissions (2):

Labcorp Genetics (formerly Invitae), Labcorp
Classification: Uncertain significance for Hypertrophic cardiomyopathy 12; Dilated cardiomyopathy 1M. Last evaluated: 2025-09-03. Review status: criteria provided, single submitter. Criteria: Invitae Variant Classification Sherloc (09022015). Collection method: clinical testing. Allele origin: germline.
Comment: This sequence change replaces alanine, which is neutral and non-polar, with glutamic acid, which is acidic and polar, at codon 112 of the CSRP3 protein (p.Ala112Glu). This variant is not present in population databases (gnomAD no frequency). This variant has not been reported in the literature in individuals affected with CSRP3-related conditions. ClinVar contains an entry for this variant (Variation ID: 1730583). An algorithm developed to predict the effect of missense changes on protein structure and function (PolyPhen-2) suggests that this variant is likely to be tolerated. In summary, the available evidence is currently insufficient to determine the role of this variant in disease. Therefore, it has been classified as a Variant of Uncertain Significance.

Ambry Genetics
Classification: Uncertain significance for Cardiovascular phenotype. Last evaluated: 2023-12-23. Review status: criteria provided, single submitter. Criteria: Ambry Variant Classification Scheme 2023. Collection method: clinical testing. Allele origin: germline.
Comment: The p.A112E variant (also known as c.335C>A), located in coding exon 3 of the CSRP3 gene, results from a C to A substitution at nucleotide position 335. The alanine at codon 112 is replaced by glutamic acid, an amino acid with dissimilar properties. This amino acid position is not well conserved in available vertebrate species. In addition, this alteration is predicted to be tolerated by in silico analysis. Since supporting evidence is limited at this time, the clinical significance of this alteration remains unclear.